The following is an entry in ClinVar:

ClinVar aggregate classification (germline): Uncertain significance. Review status: criteria provided, multiple submitters, no conflicts (2 of 4 stars). 2 submissions from 2 submitters: Uncertain significance (2). Last evaluated 2026-09-10.

Conditions:
Cardiovascular phenotype. Identifiers: MedGen CN230736.
Lethal congenital glycogen storage disease of heart. Also called: GLYCOGEN STORAGE DISEASE OF HEART; PHOSPHORYLASE KINASE DEFICIENCY OF HEART. Identifiers: Orphanet 439854, MedGen C1849813, MONDO:0009867, OMIM 261740.

Submissions (2):

Ambry Genetics
Classification: Uncertain significance for Cardiovascular phenotype. Last evaluated: 2026-09-10. Review status: criteria provided, single submitter. Criteria: Ambry Variant Classification Scheme 2023. Collection method: clinical testing. Allele origin: germline.
Comment: The c.1053_1067del15 variant (also known as p.L352_E356del) is located in coding exon 10 of the PRKAG2 gene. This variant results from an in-frame GCTTTATTTACAAGA deletion at nucleotide positions 1053 to 1067. This results in the in-frame deletion of five amino acids at codon 352 to 356. This amino acid region is highly conserved in available vertebrate species. In addition, this variant is predicted to be deleterious by in silico analysis (Choi Y et al. PLoS ONE. 2012; 7(10):e46688). Based on the available evidence, the clinical significance of this variant remains unclear.

Labcorp Genetics (formerly Invitae), Labcorp
Classification: Uncertain significance for Lethal congenital glycogen storage disease of heart. Last evaluated: 2020-01-19. Review status: criteria provided, single submitter. Criteria: Invitae Variant Classification Sherloc (09022015). Collection method: clinical testing. Allele origin: germline.
Comment: In summary, the available evidence is currently insufficient to determine the role of this variant in disease. Therefore, it has been classified as a Variant of Uncertain Significance. Experimental studies and prediction algorithms are not available for this variant, and the functional significance of the affected amino acid(s) is currently unknown. This variant has not been reported in the literature in individuals with PRKAG2-related disease. This variant is not present in population databases (ExAC no frequency). This variant, c.1053_1067del, results in the deletion of 5 amino acid(s) of the PRKAG2 protein (p.Leu352_Glu356del), but otherwise preserves the integrity of the reading frame.

Literature cited by the submitters: PubMed 32646569 (cited by Ambry Genetics).

NM_016203.3(PRKAG2):c.1053_1067del15

Gene: PRKAG2 (protein kinase AMP-activated non-catalytic subunit gamma 2; minus strand). Cytogenetic location: 7q36.1.
Variant type: Deletion.
Coding change: c.1053_1067del15 on transcript NM_016203.3; coding-DNA positions 1053 to 1067, 15 bases deleted (GCTTTATTTACAAGA).
Genome position (GRCh38, 1-based): chr7:151,570,210-151,570,224, TCTTGTAAATAAAGC deleted on the plus strand (GCTTTATTTACAAGA on the coding strand, the reverse complement: PRKAG2 is on the minus strand); deleting any 15 consecutive bases within chr7:151,570,210-151,570,227 gives the same sequence; the c. name uses the placement nearest the transcript's 3' end. VCF-style (leftmost placement, unchanged base first): chr7-151570209-TTCTTGTAAATAAAGC-T. GRCh37 (hg19) VCF-style: chr7-151267295-TTCTTGTAAATAAAGC-T.
Other names: c.1053_1067delGCTTTATTTACAAGA (NM_016203.3).
Identifiers: ClinVar variation 642878 (VCV000642878.11), dbSNP rs1584964948, ClinGen allele CA915945582.